The following is an entry in ClinVar:

NM_000161.3(GCH1):c.153C>A (p.Asp51Glu)

Gene: GCH1 (GTP cyclohydrolase 1; minus strand). Cytogenetic location: 14q22.2.
Variant type: single nucleotide variant.
Coding change: c.153C>A on transcript NM_000161.3 (MANE Select); coding-DNA position 153, C replaced by A.
Protein change: p.Asp51Glu; replaces aspartic acid 51 with glutamic acid.
Molecular consequence: missense variant.
Genome position (GRCh38, 1-based): chr14:54,902,511, G>T on the plus strand (C>A on the coding strand, the complement: GCH1 is on the minus strand). VCF-style: chr14-54902511-G-T. GRCh37 (hg19) VCF-style: chr14-55369229-G-T.
Other names: c.153C>A, p.Asp51Glu (NM_001024024.2, NM_001024070.2, NM_001024071.2); short protein forms D51E.
Identifiers: ClinVar variation 392567 (VCV000392567.7), dbSNP rs745516526, ClinGen allele CA16606999.

ClinVar aggregate classification (germline): Uncertain significance. Review status: criteria provided, multiple submitters, no conflicts (2 of 4 stars). 2 submissions from 2 submitters: Uncertain significance (2). Last evaluated 2026-09-12.

Conditions:
Dystonia 5 (DRD). Also called: DYSTONIA, PROGRESSIVE, WITH DIURNAL VARIATION; DYSTONIA-PARKINSONISM WITH DIURNAL FLUCTUATION; DYT-GCH1; GTP Cyclohydrolase 1-Deficient Dopa-Responsive Dystonia; Dystonia, DOPA-responsive, with or without hyperphenylalaninemia. Identifiers: Orphanet 98808, MedGen C1851920, MONDO:0007495, OMIM 128230.
GTP cyclohydrolase I deficiency. Identifiers: MedGen C0268467, MONDO:0100184.

gnomAD v4.1: 1 of 1,598,974 alleles (0.000063%); highest among the groups gnomAD compares: Non-Finnish European, 0.000085%; no homozygotes.

Submissions (2):

GeneDx
Classification: Uncertain significance. Last evaluated: 2026-09-12. Review status: criteria provided, single submitter. Criteria: GeneDx Variant Classification Process June 2021. Collection method: clinical testing. Allele origin: germline.
Comment: Not observed at significant frequency in large population cohorts (gnomAD); In silico analysis suggests that this missense variant does not alter protein structure/function; Has not been previously published as pathogenic or benign to our knowledge

Labcorp Genetics (formerly Invitae), Labcorp
Classification: Uncertain significance for GTP cyclohydrolase I deficiency; Dystonia 5. Last evaluated: 2025-10-02. Review status: criteria provided, single submitter. Criteria: Invitae Variant Classification Sherloc (09022015). Collection method: clinical testing. Allele origin: germline.
Comment: This sequence change replaces aspartic acid, which is acidic and polar, with glutamic acid, which is acidic and polar, at codon 51 of the GCH1 protein (p.Asp51Glu). This variant is not present in population databases (gnomAD no frequency). This variant has not been reported in the literature in individuals affected with GCH1-related conditions. ClinVar contains an entry for this variant (Variation ID: 392567). Invitae Evidence Modeling of protein sequence and biophysical properties (such as structural, functional, and spatial information, amino acid conservation, physicochemical variation, residue mobility, and thermodynamic stability) indicates that this missense variant is not expected to disrupt GCH1 protein function with a negative predictive value of 95%. In summary, the available evidence is currently insufficient to determine the role of this variant in disease. Therefore, it has been classified as a Variant of Uncertain Significance.